The following is an entry in ClinVar:

ClinVar aggregate classification (germline): Conflicting classifications of pathogenicity. Review status: criteria provided, conflicting classifications (1 of 4 stars). 3 submissions from 3 submitters: Likely pathogenic (2); Uncertain significance (1). Last evaluated 2024-11-12.

Conditions:
KRT2-related disorder. Also called: KRT2-related condition.

Submissions (3):

Blueprint Genetics
Classification: Likely pathogenic for KRT2-related disorders. Last evaluated: 2024-11-12. Review status: criteria provided, single submitter. Criteria: ACMG Guidelines, 2015. Collection method: clinical testing. Allele origin: germline. Affected: yes. Observed: 5 variant alleles.

PreventionGenetics, part of Exact Sciences
Classification: Uncertain significance for KRT2-related condition. Last evaluated: 2023-03-13. Review status: criteria provided, single submitter. Criteria: ACMG Guidelines, 2015. Collection method: clinical testing. Allele origin: germline.
Comment: The KRT2 c.566T>C variant is predicted to result in the amino acid substitution p.Phe189Ser. To our knowledge, this variant has not been reported in the literature or in a large population database, indicating this variant is rare. In ClinVar, this variant has been interpreted as likely pathogenic. Nearby missense variant (p.Asn186Asp, p.Asn186Tyr, p.Asn186Ser, p.Asn186Lys) have been reported as pathogenic (Human Gene Mutation Database). Although we suspect that this variant may be pathogenic, at this time, the clinical significance of this variant is uncertain due to the absence of conclusive functional and genetic evidence.

GeneDx
Classification: Likely pathogenic. Last evaluated: 2016-07-20. Review status: criteria provided, single submitter. Criteria: GeneDx Variant Classification (06012015). Collection method: clinical testing. Allele origin: germline. Affected: yes.
Comment: To our knowledge, the F189S variant in the KRT2 gene has not been reported previously as a pathogenic variant, nor as a benign variant. It was also not observed in approximately 6,500 individuals of European and African American ancestry in the NHLBI Exome Sequencing Project, indicating it is not a common benign variant in these populations. F189S is a non-conservative amino acid substitution, which is likely to impact secondary protein structure as these residues differ in polarity, charge, size and/or other properties. This substitution occurs within a known hotspot region (helix initiation motif) that is highly conserved across all species and among all members of the keratin family. Many other pathogenic missense variants in patients with superficial epidermolytic ichthyosis have been reported in nearby residues (N186Y/D/K/S) according to the Human Gene Mutation Database (Stenson et al., 2014). It is well established that keratin gene variants affecting the residues at the ends of the central rod domains of the keratin proteins (helix initiation and termination motifs) interfere with proper keratin intermediate filament assembly and function, resulting in skin fragility and/or hyperkeratosis (Chamcheu et al., 2011). Therefore, F189S is considered to be likely pathogenic, however the possibility it may be a rare benign variant cannot be excluded.

NM_000423.3(KRT2):c.566T>C (p.Phe189Ser)

Gene: KRT2 (keratin 2; minus strand). Cytogenetic location: 12q13.13.
Variant type: single nucleotide variant.
Coding change: c.566T>C on transcript NM_000423.3 (MANE Select); coding-DNA position 566, T replaced by C.
Protein change: p.Phe189Ser; replaces phenylalanine 189 with serine.
Molecular consequence: missense variant.
Genome position (GRCh38, 1-based): chr12:52,651,577, A>G on the plus strand (T>C on the coding strand, the complement: KRT2 is on the minus strand). VCF-style: chr12-52651577-A-G. GRCh37 (hg19) VCF-style: chr12-53045361-A-G.
Other names: short protein forms F189S.
Identifiers: ClinVar variation 421717 (VCV000421717.4), dbSNP rs1064795317, ClinGen allele CA16619575.
Genomic context (GRCh38, chr12:52,651,577, plus strand): 5'-GTGGCCTGAGCATCAGTGGGAGCCGTCTTCTCCAGAGTCACCTTGTCAATGAAGGAGGCA[A>G]ATTTGTTGTTGAGAGTTTTGATCTGCTCACGCTCTTGGGCCTTCACATTCTGGATCTCTG-3'
Protein context (NP_000414.2, residues 179-199): REQIKTLNNK[Phe189Ser]ASFIDKVRFL